The following is an entry in ClinVar:

NM_000051.4(ATM):c.5683C>T (p.His1895Tyr)

Gene: ATM (ATM serine/threonine kinase; plus strand). Cytogenetic location: 11q22.3.
Variant type: single nucleotide variant.
Coding change: c.5683C>T on transcript NM_000051.4 (MANE Select); coding-DNA position 5683, C replaced by T.
Protein change: p.His1895Tyr; replaces histidine 1895 with tyrosine.
Molecular consequence: missense variant.
Genome position (GRCh38, 1-based): chr11:108,307,905, C>T. VCF-style: chr11-108307905-C-T. GRCh37 (hg19) VCF-style: chr11-108178632-C-T.
Other names: c.5683C>T, p.His1895Tyr (NM_001351834.2); short protein forms H1895Y.
Identifiers: ClinVar variation 481200 (VCV000481200.18), dbSNP rs766901049, ClinGen allele CA6265756.

ClinVar aggregate classification (germline): Uncertain significance. Review status: criteria provided, multiple submitters, no conflicts (2 of 4 stars). 5 submissions from 5 submitters: Uncertain significance (5). Last evaluated 2025-08-10.

Conditions:
Hereditary cancer-predisposing syndrome. Also called: Hereditary neoplastic syndrome; Neoplastic Syndromes, Hereditary; Tumor predisposition; Hereditary Cancer Syndrome. Identifiers: Orphanet 140162, MedGen C0027672, MeSH D009386, MONDO:0015356.
Ataxia-telangiectasia syndrome (AT). Also called: LOUIS-BAR SYNDROME; Cerebello-oculocutaneous telangiectasia; Immunodeficiency with ataxia telangiectasia; AT, COMPLEMENTATION GROUP C; Ataxia-telangiectasia, complementation group D; ATAXIA-TELANGIECTASIA, COMPLEMENTATION GROUP A. Identifiers: Orphanet 100, MedGen C0004135, MONDO:0008840, OMIM 208900.

Allele frequency attached by ClinVar (database versions not stated): TOPMed below 0.00001; gnomAD exomes 0.00003; ExAC 0.00007.
gnomAD v4.1: 23 of 1,613,324 alleles (0.0014%); highest among the groups gnomAD compares: Non-Finnish European, 0.0016%; no homozygotes.

Submissions (5):

Labcorp Genetics (formerly Invitae), Labcorp
Classification: Uncertain significance for Ataxia-telangiectasia syndrome. Last evaluated: 2025-08-10. Review status: criteria provided, single submitter. Criteria: Invitae Variant Classification Sherloc (09022015). Collection method: clinical testing. Allele origin: germline.
Comment: This sequence change replaces histidine, which is basic and polar, with tyrosine, which is neutral and polar, at codon 1895 of the ATM protein (p.His1895Tyr). This variant is present in population databases (rs766901049, gnomAD 0.007%). This variant has not been reported in the literature in individuals affected with ATM-related conditions. ClinVar contains an entry for this variant (Variation ID: 481200). Invitae Evidence Modeling of protein sequence and biophysical properties (such as structural, functional, and spatial information, amino acid conservation, physicochemical variation, residue mobility, and thermodynamic stability) indicates that this missense variant is not expected to disrupt ATM protein function with a negative predictive value of 95%. In summary, the available evidence is currently insufficient to determine the role of this variant in disease. Therefore, it has been classified as a Variant of Uncertain Significance.

Center for Genomic Medicine, Rigshospitalet, Copenhagen University Hospital
Classification: Uncertain significance. Last evaluated: 2025-03-04. Review status: criteria provided, single submitter. Criteria: ACMG Guidelines, 2015. Collection method: clinical testing. Allele origin: germline.

Color Diagnostics, LLC DBA Color Health
Classification: Uncertain significance for Hereditary cancer-predisposing syndrome. Last evaluated: 2023-12-05. Review status: criteria provided, single submitter. Criteria: ACMG Guidelines, 2015. Collection method: clinical testing. Allele origin: germline.
Comment: This missense variant replaces histidine with tyrosine at codon 1895 of the ATM protein. Computational prediction suggests that this variant may not impact protein structure and function (internally defined REVEL score threshold <= 0.5, PMID: 27666373). To our knowledge, functional studies have not been reported for this variant. This variant has not been reported in individuals affected with ATM-related disorders in the literature. This variant has been identified in 8/250968 chromosomes in the general population by the Genome Aggregation Database (gnomAD). The available evidence is insufficient to determine the role of this variant in disease conclusively. Therefore, this variant is classified as a Variant of Uncertain Significance.

GeneDx
Classification: Uncertain significance. Last evaluated: 2023-07-24. Review status: criteria provided, single submitter. Criteria: GeneDx Variant Classification Process June 2021. Collection method: clinical testing. Allele origin: germline. Affected: yes.
Comment: Not observed at a significant frequency in large population cohorts (gnomAD); In silico analysis supports that this missense variant does not alter protein structure/function; Has not been previously published as pathogenic or benign to our knowledge

Ambry Genetics
Classification: Uncertain significance for Hereditary cancer-predisposing syndrome. Last evaluated: 2023-05-26. Review status: criteria provided, single submitter. Criteria: Ambry Variant Classification Scheme 2023. Collection method: clinical testing. Allele origin: germline.
Comment: The p.H1895Y variant (also known as c.5683C>T), located in coding exon 37 of the ATM gene, results from a C to T substitution at nucleotide position 5683. The histidine at codon 1895 is replaced by tyrosine, an amino acid with similar properties. This amino acid position is not well conserved in available vertebrate species. In addition, this alteration is predicted to be tolerated by in silico analysis. Since supporting evidence is limited at this time, the clinical significance of this alteration remains unclear.